The following is an entry in ClinVar:

NM_019842.4(KCNQ5):c.2163C>T (p.Ser721=)

Gene: KCNQ5 (potassium voltage-gated channel subfamily Q member 5; plus strand). Cytogenetic location: 6q13.
Variant type: single nucleotide variant.
Coding change: c.2163C>T on transcript NM_019842.4 (MANE Select); coding-DNA position 2163, C replaced by T.
Protein change: p.Ser721=; no amino-acid change (serine 721 retained).
Molecular consequence: synonymous variant.
Genome position (GRCh38, 1-based): chr6:73,194,778, C>T. VCF-style: chr6-73194778-C-T. GRCh37 (hg19) VCF-style: chr6-73904501-C-T.
Other names: c.2136C>T, p.Ser712= (NM_001160130.2); c.2193C>T, p.Ser731= (NM_001160132.2); c.2220C>T, p.Ser740= (NM_001160133.2); c.1833C>T, p.Ser611= (NM_001160134.2).
Identifiers: ClinVar variation 1600522 (VCV001600522.10), dbSNP rs150628078, ClinGen allele CA3887220.

ClinVar aggregate classification (germline): Benign/Likely benign. Review status: criteria provided, multiple submitters, no conflicts (2 of 4 stars). 2 submissions from 2 submitters: Benign (1); Likely benign (1). Last evaluated 2026-07-01.

Allele frequency attached by ClinVar (database versions not stated): gnomAD 0.00002; gnomAD exomes 0.00003 and 0.00013; TOPMed 0.00007; ESP Exome Variant Server 0.00008; ExAC 0.00014.
gnomAD v4.1: 49 of 1,614,074 alleles (0.003%); highest among the groups gnomAD compares: Admixed American, 0.05%; 1 homozygote.

Submissions (2):

CeGaT Center for Human Genetics Tuebingen
Classification: Likely benign. Last evaluated: 2026-07-01. Review status: criteria provided, single submitter. Criteria: CeGaT Center For Human Genetics Tuebingen Variant Classification Criteria Version 2. Collection method: clinical testing. Allele origin: germline. Affected: yes. Observed: 1 variant allele.
Comment: KCNQ5: BP4, BP7

Labcorp Genetics (formerly Invitae), Labcorp
Classification: Benign. Last evaluated: 2025-12-15. Review status: criteria provided, single submitter. Criteria: Invitae Variant Classification Sherloc (09022015). Collection method: clinical testing. Allele origin: germline.